The following is an entry in ClinVar:

NM_198334.3(GANAB):c.2801A>G (p.Asn934Ser)

Gene: GANAB (glucosidase II alpha subunit; minus strand). Cytogenetic location: 11q12.3.
Variant type: single nucleotide variant.
Coding change: c.2801A>G on transcript NM_198334.3 (MANE Select); coding-DNA position 2801, A replaced by G.
Protein change: p.Asn934Ser; replaces asparagine 934 with serine.
Molecular consequence: missense variant.
Genome position (GRCh38, 1-based): chr11:62,625,849, T>C on the plus strand (A>G on the coding strand, the complement: GANAB is on the minus strand). VCF-style: chr11-62625849-T-C. GRCh37 (hg19) VCF-style: chr11-62393321-T-C.
Other names: c.2525A>G, p.Asn842Ser (NM_001278192.2); c.2459A>G, p.Asn820Ser (NM_001278193.2); c.2510A>G, p.Asn837Ser (NM_001278194.2, NM_001329222.2, NM_001329223.2); c.2078A>G, p.Asn693Ser (NM_001329224.2, NM_001329225.2); c.2867A>G, p.Asn956Ser (NM_198335.4); short protein forms N842S, N820S, N837S, N956S, N693S, N934S.
Identifiers: ClinVar variation 2896619 (VCV002896619.3), dbSNP rs976188802, ClinGen allele CA223045480.

ClinVar aggregate classification (germline): Uncertain significance (1 of 4 stars; one submission).

Submission:

Labcorp Genetics (formerly Invitae), Labcorp
Classification: Uncertain significance. Last evaluated: 2025-01-15. Review status: criteria provided, single submitter. Criteria: Invitae Variant Classification Sherloc (09022015). Collection method: clinical testing. Allele origin: germline.
Comment: This sequence change replaces asparagine, which is neutral and polar, with serine, which is neutral and polar, at codon 956 of the GANAB protein (p.Asn956Ser). This variant is present in population databases (no rsID available, gnomAD 0.004%). This variant has not been reported in the literature in individuals affected with GANAB-related conditions. ClinVar contains an entry for this variant (Variation ID: 2896619). Invitae Evidence Modeling of protein sequence and biophysical properties (such as structural, functional, and spatial information, amino acid conservation, physicochemical variation, residue mobility, and thermodynamic stability) indicates that this missense variant is not expected to disrupt GANAB protein function with a negative predictive value of 95%. In summary, the available evidence is currently insufficient to determine the role of this variant in disease. Therefore, it has been classified as a Variant of Uncertain Significance.